The following is an entry in ClinVar:

ClinVar aggregate classification (germline): Uncertain significance (1 of 4 stars; one submission).

Conditions:
Immunodeficiency 15a. Identifiers: Orphanet 700205, MedGen C4748694, MONDO:0032599, OMIM 618204.

Submission:

Laboratory of Pediatric Immunoinfectivology, Tor Vergata University
Classification: Uncertain significance for Immunodeficiency 15a. Last evaluated: 2022-10-17. Review status: criteria provided, single submitter. Criteria: ACMG Guidelines, 2015. Collection method: clinical testing. Allele origin: germline. Affected: no. Observed: 2 variant alleles.
Comment: Preliminary functional data indicated a delayed and reduced capacity of B lymphocytes and CD4 positive T cells in inducing IκBα degradation and p65 phosphorilation.

NM_001556.3(IKBKB):c.1465A>G (p.Ser489Gly)

Gene: IKBKB (inhibitor of nuclear factor kappa B kinase subunit beta; plus strand). Cytogenetic location: 8p11.21.
Variant type: single nucleotide variant.
Coding change: c.1465A>G on transcript NM_001556.3 (MANE Select); coding-DNA position 1465, A replaced by G.
Protein change: p.Ser489Gly; replaces serine 489 with glycine.
Molecular consequence: missense variant. On other transcripts: non-coding transcript variant (3).
Genome position (GRCh38, 1-based): chr8:42,319,370, A>G. VCF-style: chr8-42319370-A-G. GRCh37 (hg19) VCF-style: chr8-42176888-A-G.
Other names: c.1273A>G, p.Ser425Gly (NM_001190720.3); c.1288A>G, p.Ser430Gly (NM_001242778.2); short protein forms S425G, S430G, S489G.
Identifiers: ClinVar variation 1801826 (VCV001801826.2), dbSNP rs2487693101, ClinGen allele CA371090486.